The following is an entry in ClinVar:

NM_138694.4(PKHD1):c.8287G>T (p.Val2763Phe)

Gene: PKHD1 (PKHD1 ciliary IPT domain containing fibrocystin/polyductin; minus strand). Cytogenetic location: 6p12.2.
Variant type: single nucleotide variant.
Coding change: c.8287G>T on transcript NM_138694.4 (MANE Select); coding-DNA position 8287, G replaced by T.
Protein change: p.Val2763Phe; replaces valine 2763 with phenylalanine.
Molecular consequence: missense variant.
Genome position (GRCh38, 1-based): chr6:51,830,876, C>A on the plus strand (G>T on the coding strand, the complement: PKHD1 is on the minus strand). VCF-style: chr6-51830876-C-A. GRCh37 (hg19) VCF-style: chr6-51695674-C-A.
Other names: c.8287G>T, p.Val2763Phe (NM_170724.3); short protein forms V2763F.
Identifiers: ClinVar variation 3907439 (VCV003907439.1).

ClinVar aggregate classification (germline): Uncertain significance (1 of 4 stars; one submission).

Submission:

Women's Health and Genetics/Laboratory Corporation of America, LabCorp
Classification: Uncertain significance. Last evaluated: 2025-06-26. Review status: criteria provided, single submitter. Criteria: LabCorp Variant Classification Summary - May 2015. Collection method: clinical testing. Allele origin: germline.
Comment: Variant summary: PKHD1 c.8287G>T (p.Val2763Phe) results in a non-conservative amino acid change in the encoded protein sequence. Algorithms developed to predict the effect of missense changes on protein structure and function all suggest that this variant is likely to be disruptive. The variant was absent in 251148 control chromosomes. The available data on variant occurrences in the general population are insufficient to allow any conclusion about variant significance. To our knowledge, no occurrence of c.8287G>T in individuals affected with Polycystic Kidney And Hepatic Disease and no experimental evidence demonstrating its impact on protein function have been reported. No submitters have cited clinical-significance assessments for this variant to ClinVar. Based on the evidence outlined above, the variant was classified as uncertain significance.